The following is an entry in ClinVar:

ClinVar aggregate classification (germline): Uncertain significance (1 of 4 stars; one submission).

Submission:

GeneDx
Classification: Uncertain significance. Last evaluated: 2022-12-02. Review status: criteria provided, single submitter. Criteria: GeneDx Variant Classification Process June 2021. Collection method: clinical testing. Allele origin: germline. Affected: yes.
Comment: Not observed at significant frequency in large population cohorts (gnomAD); In silico analysis supports that this missense variant does not alter protein structure/function; Has not been previously published as pathogenic or benign to our knowledge

NM_139137.4(KCNC2):c.299G>T (p.Arg100Leu)

Gene: KCNC2 (potassium voltage-gated channel subfamily C member 2; minus strand). Cytogenetic location: 12q21.1.
Variant type: single nucleotide variant.
Coding change: c.299G>T on transcript NM_139137.4 (MANE Select); coding-DNA position 299, G replaced by T.
Protein change: p.Arg100Leu; replaces arginine 100 with leucine.
Molecular consequence: missense variant. On other transcripts: non-coding transcript variant (2).
Genome position (GRCh38, 1-based): chr12:75,207,685, C>A on the plus strand (G>T on the coding strand, the complement: KCNC2 is on the minus strand). VCF-style: chr12-75207685-C-A. GRCh37 (hg19) VCF-style: chr12-75601465-C-A.
Other names: c.299G>T, p.Arg100Leu (NM_001260497.2, NM_001260498.2, NM_001260499.2 and 13 more transcripts); short protein forms R100L.
Identifiers: ClinVar variation 2504360 (VCV002504360.1), dbSNP rs1388356005, ClinGen allele CA385786217.
Genomic context (GRCh38, chr12:75,207,685, plus strand): 5'-GTGCGGTAGTAATTGAGCACATAGGCGAAGACGCCCGGGTGCCGGTCGAAGAAGAACTCG[C>A]GGCCGCCACCGGGATGGTCGCTGGCCCTGCCGCCGCGGGAACTGCAGTTGCCCGCGCCGC-3'
Protein context (NP_631875.1, residues 90-110): GRASDHPGGG[Arg100Leu]EFFFDRHPGV